The following is an entry in ClinVar:

NM_022114.4(PRDM16):c.2793C>T (p.Asn931=)

Gene: PRDM16 (PR/SET domain 16; plus strand). Cytogenetic location: 1p36.32.
Variant type: single nucleotide variant.
Coding change: c.2793C>T on transcript NM_022114.4 (MANE Select); coding-DNA position 2793, C replaced by T.
Protein change: p.Asn931=; no amino-acid change (asparagine 931 retained).
Molecular consequence: synonymous variant.
Genome position (GRCh38, 1-based): chr1:3,417,929, C>T. VCF-style: chr1-3417929-C-T. GRCh37 (hg19) VCF-style: chr1-3334493-C-T.
Other names: p.Asn931=; c.2793C>T, p.Asn931= (NM_199454.3).
Identifiers: ClinVar variation 227032 (VCV000227032.34), dbSNP rs59135929, ClinGen allele CA544607.

ClinVar aggregate classification (germline): Benign. Review status: criteria provided, multiple submitters, no conflicts (2 of 4 stars). 11 submissions from 11 submitters: Benign (7). 4 of the submissions do not count toward it. Last evaluated 2026-01-31.

Conditions:
PRDM16-related disorder. Also called: PRDM16-related condition.
Left ventricular noncompaction 8 (LVNC8). Identifiers: Orphanet 154, Orphanet 54260, MedGen C3809288, MONDO:0014152, OMIM 615373.

Allele frequency attached by ClinVar (database versions not stated): TOPMed 0.01602; gnomAD 0.01493 and 0.01405; 1000 Genomes Project 30x 0.01577; gnomAD exomes 0.00139 and 0.00335; ExAC 0.00423; ESP Exome Variant Server 0.01465; 1000 Genomes Project 0.01478.
gnomAD v4.1: 4,092 of 1,516,430 alleles (0.27%); highest among the groups gnomAD compares: African/African-American, 4.8%; 92 homozygotes.

Submissions (11):

Labcorp Genetics (formerly Invitae), Labcorp
Classification: Benign for Left ventricular noncompaction 8. Last evaluated: 2026-01-31. Review status: criteria provided, single submitter. Criteria: Invitae Variant Classification Sherloc (09022015). Collection method: clinical testing. Allele origin: germline.

ARUP Laboratories, Molecular Genetics and Genomics, ARUP Laboratories
Classification: Benign. Last evaluated: 2025-07-01. Review status: criteria provided, single submitter. Criteria: ARUP Molecular Germline Variant Investigation Process 2024. Collection method: clinical testing. Allele origin: germline.

Women's Health and Genetics/Laboratory Corporation of America, LabCorp
Classification: Benign. Last evaluated: 2023-08-19. Review status: criteria provided, single submitter. Criteria: LabCorp Variant Classification Summary - May 2015. Collection method: clinical testing. Allele origin: germline.

Mayo Clinic Laboratories, Mayo Clinic
Classification: Benign. Last evaluated: 2023-02-03. Review status: criteria provided, single submitter. Criteria: ACMG Guidelines, 2015. Collection method: clinical testing. Allele origin: germline. Observed: 14 variant alleles.
Comment: BA1, BP4, BP7

GeneDx
Classification: Benign. Last evaluated: 2016-10-10. Review status: criteria provided, single submitter. Criteria: GeneDx Variant Classification (06012015). Collection method: clinical testing. Allele origin: germline. Affected: yes.
Comment: This variant is considered likely benign or benign based on one or more of the following criteria: it is a conservative change, it occurs at a poorly conserved position in the protein, it is predicted to be benign by multiple in silico algorithms, and/or has population frequency not consistent with disease.

Laboratory for Molecular Medicine, Mass General Brigham Personalized Medicine
Classification: Benign. Last evaluated: 2014-11-24. Review status: criteria provided, single submitter. Criteria: LMM Criteria. Collection method: clinical testing. Allele origin: germline. Observed: 11 variant alleles.
Comment: Asn931Asn in exon 11 of PRDM16: This variant is not expected to have clinical si gnificance because it does not alter an amino acid residue and is not located wi thin the splice consensus sequence. It has been identified in 4.5% (172/3804) of African American chromosomes from a broad population by the NHLBI Exome Sequenc ing Project (dbSNP rs59135929).

Breakthrough Genomics
Classification: Benign. Review status: criteria provided, single submitter. Criteria: ACMG Guidelines, 2015. Collection method: not provided. Allele origin: germline. Inheritance: Autosomal dominant inheritance. Affected: yes.

PreventionGenetics, part of Exact Sciences
Classification: Benign for PRDM16-related condition. Last evaluated: 2020-03-25. Review status: no assertion criteria provided. Collection method: clinical testing. Allele origin: germline. Not counted in ClinVar's aggregate classification.
Comment: This variant is classified as benign based on ACMG/AMP sequence variant interpretation guidelines (Richards et al. 2015 PMID: 25741868, with internal and published modifications).

Clinical Genetics DNA and cytogenetics Diagnostics Lab, Erasmus MC, Erasmus Medical Center
Classification: Benign. Review status: no assertion criteria provided. Collection method: clinical testing. Allele origin: germline. Affected: yes. Study: VKGL Data-share Consensus. Not counted in ClinVar's aggregate classification.

Clinical Genetics, Academic Medical Center
Classification: Benign. Review status: no assertion criteria provided. Collection method: clinical testing. Allele origin: germline. Affected: yes. Study: VKGL Data-share Consensus. Not counted in ClinVar's aggregate classification.

Joint Genome Diagnostic Labs from Nijmegen and Maastricht, Radboudumc and MUMC+
Classification: Benign. Review status: no assertion criteria provided. Collection method: clinical testing. Allele origin: germline. Affected: yes. Study: VKGL Data-share Consensus. Not counted in ClinVar's aggregate classification.